The following is an entry in ClinVar:

ClinVar aggregate classification (germline): Conflicting classifications of pathogenicity. Review status: criteria provided, conflicting classifications (1 of 4 stars). 4 submissions from 4 submitters: Uncertain significance (1); Likely benign (3). Last evaluated 2025-11-17.

Conditions:
Inborn genetic diseases. Identifiers: MedGen C0950123, MeSH D030342.

Allele frequency attached by ClinVar (database versions not stated): gnomAD exomes 0.00014 and 0.00052; gnomAD 0.00025 and 0.00031; TOPMed 0.00034; ExAC 0.00051; 1000 Genomes Project 0.00140; 1000 Genomes Project 30x 0.00141.
gnomAD v4.1: 255 of 1,614,040 alleles (0.016%); highest among the groups gnomAD compares: East Asian, 0.35%; 2 homozygotes.

Submissions (4):

Labcorp Genetics (formerly Invitae), Labcorp
Classification: Likely benign. Last evaluated: 2025-11-17. Review status: criteria provided, single submitter. Criteria: Invitae Variant Classification Sherloc (09022015). Collection method: clinical testing. Allele origin: germline.

Blueprint Genetics
Classification: Likely benign. Last evaluated: 2024-10-15. Review status: criteria provided, single submitter. Criteria: ACMG Guidelines, 2015. Collection method: clinical testing. Allele origin: germline.

Ambry Genetics
Classification: Likely benign for Inborn genetic diseases. Last evaluated: 2023-12-27. Review status: criteria provided, single submitter. Criteria: Ambry Variant Classification Scheme 2023. Collection method: clinical testing. Allele origin: germline.

GeneDx
Classification: Uncertain significance. Last evaluated: 2022-03-16. Review status: criteria provided, single submitter. Criteria: GeneDx Variant Classification Process June 2021. Collection method: clinical testing. Allele origin: germline. Affected: yes.
Comment: In silico analysis supports that this missense variant does not alter protein structure/function; Has not been previously published as pathogenic or benign to our knowledge

NM_020738.4(KIDINS220):c.1934C>T (p.Thr645Ile)

Gene: KIDINS220 (kinase D interacting substrate 220; minus strand). Cytogenetic location: 2p25.1.
Variant type: single nucleotide variant.
Coding change: c.1934C>T on transcript NM_020738.4 (MANE Select); coding-DNA position 1934, C replaced by T.
Protein change: p.Thr645Ile; replaces threonine 645 with isoleucine.
Molecular consequence: missense variant. On other transcripts: non-coding transcript variant (2).
Genome position (GRCh38, 1-based): chr2:8,786,211, G>A on the plus strand (C>T on the coding strand, the complement: KIDINS220 is on the minus strand). VCF-style: chr2-8786211-G-A. GRCh37 (hg19) VCF-style: chr2-8926341-G-A.
Other names: c.1937C>T, p.Thr646Ile (NM_001348729.2, NM_001348731.2, NM_001348734.2 and 3 more transcripts); c.1934C>T, p.Thr645Ile (NM_001348732.2, NM_001348735.2, NM_001348738.2 and 3 more transcripts); c.1808C>T, p.Thr603Ile (NM_001348736.2); short protein forms T603I, T645I, T646I.
Identifiers: ClinVar variation 722037 (VCV000722037.12), dbSNP rs185330217, ClinGen allele CA1520074.